The following is an entry in ClinVar:

NM_002032.3(FTH1):c.410A>G (p.His137Arg)

Genes: BEST1 (bestrophin 1; plus strand), FTH1 (ferritin heavy chain 1; minus strand). Cytogenetic location: 11q12.3.
Variant type: single nucleotide variant.
Coding change: c.410A>G on transcript NM_002032.3 (MANE Select); coding-DNA position 410, A replaced by G.
Protein change: p.His137Arg; replaces histidine 137 with arginine.
Molecular consequence: missense variant.
Genome position (GRCh38, 1-based): chr11:61,964,869, T>C on the plus strand (A>G on the coding strand, the complement: FTH1 is on the minus strand). VCF-style: chr11-61964869-T-C. GRCh37 (hg19) VCF-style: chr11-61732341-T-C.
Other names: short protein forms H137R.
Identifiers: ClinVar variation 2190649 (VCV002190649.4), dbSNP rs767112958, ClinGen allele CA6041230.
Genomic context (GRCh38, chr11:61,964,869, plus strand): 5'-CGCAAGTTGGTCACGTGGTCACCCAATTCTTTGATGGCTTTCACCTGCTCATTCAGGTAA[T>C]GTGTCTCAATGAAGTCACACAACTGCAAAACAATGGGGAAGACAGTTAGTGGGCAGCTTT-3'
Protein context (NP_002023.2, residues 127-147): DPHLCDFIET[His137Arg]YLNEQVKAIK

ClinVar aggregate classification (germline): Uncertain significance. Review status: criteria provided, multiple submitters, no conflicts (2 of 4 stars). 2 submissions from 2 submitters: Uncertain significance (2). Last evaluated 2025-06-09.

Conditions:
Inborn genetic diseases. Identifiers: MedGen C0950123, MeSH D030342.

Allele frequency attached by ClinVar (database versions not stated): ExAC 0.00002; gnomAD exomes 0.00001; TOPMed 0.00017; gnomAD 0.00011.
gnomAD v4.1: 32 of 1,605,410 alleles (0.002%); highest among the groups gnomAD compares: Admixed American, 0.038%; no homozygotes.

Submissions (2):

Labcorp Genetics (formerly Invitae), Labcorp
Classification: Uncertain significance. Last evaluated: 2025-06-09. Review status: criteria provided, single submitter. Criteria: Invitae Variant Classification Sherloc (09022015). Collection method: clinical testing. Allele origin: germline.
Comment: This sequence change replaces histidine, which is basic and polar, with arginine, which is basic and polar, at codon 137 of the FTH1 protein (p.His137Arg). This variant is present in population databases (rs767112958, gnomAD 0.003%). This variant has not been reported in the literature in individuals affected with FTH1-related conditions. ClinVar contains an entry for this variant (Variation ID: 2190649). An algorithm developed to predict the effect of missense changes on protein structure and function (PolyPhen-2) suggests that this variant is likely to be tolerated. In summary, the available evidence is currently insufficient to determine the role of this variant in disease. Therefore, it has been classified as a Variant of Uncertain Significance.

Ambry Genetics
Classification: Uncertain significance for Inborn genetic diseases. Last evaluated: 2024-01-09. Review status: criteria provided, single submitter. Criteria: Ambry Variant Classification Scheme 2023. Collection method: clinical testing. Allele origin: germline.